The following is an entry in ClinVar:

ClinVar aggregate classification (germline): Pathogenic (1 of 4 stars; one submission).

Submission:

Labcorp Genetics (formerly Invitae), Labcorp
Classification: Pathogenic. Last evaluated: 2021-04-27. Review status: criteria provided, single submitter. Criteria: Invitae Variant Classification Sherloc (09022015). Collection method: clinical testing. Allele origin: germline.
Comment: For these reasons, this variant has been classified as Pathogenic. This variant has not been reported in the literature in individuals with LEMD3-related conditions. This variant is not present in population databases (ExAC no frequency). This sequence change creates a premature translational stop signal (p.Gln520*) in the LEMD3 gene. It is expected to result in an absent or disrupted protein product. Loss-of-function variants in LEMD3 are known to be pathogenic (PMID: 15489854, 19438932).

Literature cited by the submitters: PubMed 15489854; PubMed 19438932.

NM_014319.5(LEMD3):c.1558C>T (p.Gln520Ter)

Gene: LEMD3 (LEM domain containing 3; plus strand). Cytogenetic location: 12q14.3.
Variant type: single nucleotide variant.
Coding change: c.1558C>T on transcript NM_014319.5 (MANE Select); coding-DNA position 1558, C replaced by T.
Protein change: p.Gln520Ter; replaces glutamine 520 with a stop codon.
Molecular consequence: nonsense.
Genome position (GRCh38, 1-based): chr12:65,210,961, C>T. VCF-style: chr12-65210961-C-T. GRCh37 (hg19) VCF-style: chr12-65604741-C-T.
Other names: c.1555C>T, p.Gln519Ter (NM_001167614.2); short protein forms Q519*, Q520*.
Identifiers: ClinVar variation 1455087 (VCV001455087.6), dbSNP rs2136335869, ClinGen allele CA385677215.
Genomic context (GRCh38, chr12:65,210,961, plus strand): 5'-TTGTCTTTTTTTCCTTCCTTGATAGTAGAAAACCCCTTTGGTGAAACATTTGGAAAAATA[C>T]AAGTAAGTAAACGATCATAATACTGATAATTTTGTGTCATGTTTTATATGATAAAAGCAT-3'